The following is an entry in ClinVar:

NM_001145809.2(MYH14):c.5171C>T (p.Thr1724Ile)

Gene: MYH14 (myosin heavy chain 14; plus strand). Cytogenetic location: 19q13.33.
Variant type: single nucleotide variant.
Coding change: c.5171C>T on transcript NM_001145809.2 (MANE Select); coding-DNA position 5171, C replaced by T.
Protein change: p.Thr1724Ile; replaces threonine 1724 with isoleucine.
Molecular consequence: missense variant.
Genome position (GRCh38, 1-based): chr19:50,292,304, C>T. VCF-style: chr19-50292304-C-T. GRCh37 (hg19) VCF-style: chr19-50795561-C-T.
Other names: c.5072C>T, p.Thr1691Ile (NM_001077186.2); c.5048C>T, p.Thr1683Ile (NM_024729.4); c.5048C>T (NM_024729.3); short protein forms T1683I, T1691I, T1724I.
Identifiers: ClinVar variation 2629667 (VCV002629667.2), dbSNP rs745369087, ClinGen allele CA9593712.

ClinVar aggregate classification (germline): Uncertain significance. Review status: criteria provided, multiple submitters, no conflicts (2 of 4 stars). 2 submissions from 2 submitters: Uncertain significance (2). Last evaluated 2025-05-28.

Conditions:
Inborn genetic diseases. Identifiers: MedGen C0950123, MeSH D030342.
MYH14-related disorder. Also called: MYH14-related condition.

Allele frequency attached by ClinVar (database versions not stated): gnomAD exomes below 0.00001; gnomAD 0.00001; ExAC 0.00002; TOPMed 0.00002.
gnomAD v4.1: 7 of 1,599,206 alleles (0.00044%); highest among the groups gnomAD compares: African/African-American, 0.004%; no homozygotes.

Submissions (2):

Ambry Genetics
Classification: Uncertain significance for Inborn genetic diseases. Last evaluated: 2025-05-28. Review status: criteria provided, single submitter. Criteria: Ambry Variant Classification Scheme 2023. Collection method: clinical testing. Allele origin: germline.

PreventionGenetics, part of Exact Sciences
Classification: Uncertain significance for MYH14-related condition. Last evaluated: 2022-12-22. Review status: criteria provided, single submitter. Criteria: ACMG Guidelines, 2015. Collection method: clinical testing. Allele origin: germline.
Comment: The MYH14 c.5171C>T variant is predicted to result in the amino acid substitution p.Thr1724Ile. To our knowledge, this variant has not been reported in the literature. This variant is reported in 0.011% of alleles in individuals of Ashkenazi Jewish descent in gnomAD. Although we suspect that this variant may be benign, at this time, the clinical significance of this variant is uncertain due to the absence of conclusive functional and genetic evidence.